The following is an entry in ClinVar:

ClinVar aggregate classification (germline): Uncertain significance (0 of 4 stars; one submission).

Conditions:
RPGRIP1L-related disorder. Also called: RPGRIP1L-related condition; RPGRIP1L-related disorders. Identifiers: MedGen CN239416.

Submission:

PreventionGenetics, part of Exact Sciences
Classification: Uncertain significance for RPGRIP1L-related condition. Last evaluated: 2023-11-30. Review status: no assertion criteria provided. Collection method: clinical testing. Allele origin: germline.
Comment: The RPGRIP1L c.3805G>T variant is predicted to result in the amino acid substitution p.Gly1269Trp. To our knowledge, this variant has not been reported in the literature or in a large population database, indicating this variant is rare. At this time, the clinical significance of this variant is uncertain due to the absence of conclusive functional and genetic evidence.

NM_015272.5(RPGRIP1L):c.3805G>T (p.Gly1269Trp)

Gene: RPGRIP1L (RPGRIP1 like; minus strand). Cytogenetic location: 16q12.2.
Variant type: single nucleotide variant.
Coding change: c.3805G>T on transcript NM_015272.5 (MANE Select); coding-DNA position 3805, G replaced by T.
Protein change: p.Gly1269Trp; replaces glycine 1269 with tryptophan.
Molecular consequence: missense variant.
Genome position (GRCh38, 1-based): chr16:53,605,511, C>A on the plus strand (G>T on the coding strand, the complement: RPGRIP1L is on the minus strand). VCF-style: chr16-53605511-C-A. GRCh37 (hg19) VCF-style: chr16-53639423-C-A.
Other names: c.3565G>T, p.Gly1189Trp (NM_001127897.4); c.3667G>T, p.Gly1223Trp (NM_001308334.3); c.3703G>T, p.Gly1235Trp (NM_001330538.2); short protein forms G1189W, G1223W, G1235W, G1269W.
Identifiers: ClinVar variation 3349583 (VCV003349583.1).